The following is an entry in ClinVar:

ClinVar aggregate classification (germline): Likely pathogenic. Review status: criteria provided, multiple submitters, no conflicts (2 of 4 stars). 3 submissions from 3 submitters: Likely pathogenic (3). Last evaluated 2025-07-20.

Conditions:
Hypertrophic cardiomyopathy 26. Also called: Cardiomyopathy, familial hypertrophic, 26. Identifiers: Orphanet 75249, MedGen C4310749, MONDO:0014883, OMIM 617047.
Distal myopathy with posterior leg and anterior hand involvement. Also called: WILLIAMS DISTAL MYOPATHY. Identifiers: Orphanet 63273, MedGen C3279722, MONDO:0013550, OMIM 614065.
Myofibrillar myopathy 5. Also called: Filaminopathy (type); FILAMINOPATHY, AUTOSOMAL DOMINANT. Identifiers: Orphanet 171445, MedGen C1836050, MONDO:0012289, OMIM 609524.
Cardiovascular phenotype. Identifiers: MedGen CN230736.
Cardiomyopathy (CMYO). Also called: Cardiomyopathies. Identifiers: Orphanet 167848, MedGen C0878544, MONDO:0004994, HP:0001638. Inheritance: Various modes of inheritance.

Submissions (3):

Labcorp Genetics (formerly Invitae), Labcorp
Classification: Likely pathogenic for Distal myopathy with posterior leg and anterior hand involvement; Myofibrillar myopathy 5; Hypertrophic cardiomyopathy 26. Last evaluated: 2025-07-20. Review status: criteria provided, single submitter. Criteria: Invitae Variant Classification Sherloc (09022015). Collection method: clinical testing. Allele origin: germline.
Comment: This sequence change affects a donor splice site in intron 9 of the FLNC gene. It is expected to disrupt RNA splicing. Variants that disrupt the donor or acceptor splice site typically lead to a loss of protein function (PMID: 16199547), and loss-of-function variants in FLNC are known to be pathogenic (PMID: 27908349). This variant is not present in population databases (gnomAD no frequency). This variant has not been reported in the literature in individuals affected with FLNC-related conditions. ClinVar contains an entry for this variant (Variation ID: 478122). Algorithms developed to predict the effect of sequence changes on RNA splicing suggest that this variant may disrupt the consensus splice site. In summary, the currently available evidence indicates that the variant is pathogenic, but additional data are needed to prove that conclusively. Therefore, this variant has been classified as Likely Pathogenic.

Women's Health and Genetics/Laboratory Corporation of America, LabCorp
Classification: Likely pathogenic for Cardiomyopathy. Last evaluated: 2023-08-29. Review status: criteria provided, single submitter. Criteria: LabCorp Variant Classification Summary - May 2015. Collection method: clinical testing. Allele origin: germline.
Comment: Variant summary: FLNC c.1549+2T>G is located in a canonical splice-site and is predicted to affect mRNA splicing resulting in a significantly altered protein due to either exon skipping, shortening, or inclusion of intronic material. Several computational tools predict a significant impact on normal splicing: Four predict the variant abolishes a canonical 5' splicing donor site. However, these predictions have yet to be confirmed by functional studies. The variant was absent in 248898 control chromosomes (gnomAD). To our knowledge, no occurrence of c.1549+2T>G in individuals affected with Cardiomyopathy and no experimental evidence demonstrating its impact on protein function have been reported. Three ClinVar submitter have assessed the variant since 2014, and all submitters classified the variant as likely pathogenic. Based on the evidence outlined above, the variant was classified as likely pathogenic.

Ambry Genetics
Classification: Likely pathogenic for Cardiovascular phenotype. Last evaluated: 2023-06-04. Review status: criteria provided, single submitter. Criteria: Ambry Variant Classification Scheme 2023. Collection method: clinical testing. Allele origin: germline.
Comment: The c.1549+2T>G intronic variant results from a T to G substitution two nucleotides after coding exon 9 in the FLNC gene. This variant is considered to be rare based on population cohorts in the Genome Aggregation Database (gnomAD). This nucleotide position is highly conserved in available vertebrate species. In silico splice site analysis predicts that this alteration will weaken the native splice donor site and will result in the creation or strengthening of a novel splice donor site. Alterations that disrupt the canonical splice site are expected to cause aberrant splicing, resulting in an abnormal protein or a transcript that is subject to nonsense-mediated mRNA decay. Based on the supporting evidence, this variant is expected to be causative of FLNC-related dilated cardiomyopathy; however, its clinical significance for FLNC-related hypertrophy/restrictive cardiomyopathy and/or skeletal myopathy is unclear.

Literature cited by the submitters: PubMed 16199547 (cited by Labcorp Genetics (formerly Invitae), Labcorp); PubMed 27908349 (cited by Labcorp Genetics (formerly Invitae), Labcorp).

NM_001458.5(FLNC):c.1549+2T>G

Gene: FLNC (filamin C; plus strand). Cytogenetic location: 7q32.1.
Variant type: single nucleotide variant.
Coding change: c.1549+2T>G on transcript NM_001458.5 (MANE Select); the canonical splice donor site of the intron after coding-DNA position 1549, T replaced by G.
Molecular consequence: splice donor variant.
Genome position (GRCh38, 1-based): chr7:128,840,162, T>G. VCF-style: chr7-128840162-T-G. GRCh37 (hg19) VCF-style: chr7-128480216-T-G.
Other names: c.1549+2T>G (NM_001127487.2).
Identifiers: ClinVar variation 478122 (VCV000478122.11), dbSNP rs111806457, ClinGen allele CA166216228.
Genomic context (GRCh38, chr7:128,840,162, plus strand): 5'-CAAGGTGTTTACCAAGGGTGCCGGCAGCGGGGAGCTCAAGGTCACGGTCAAGGGGCCAAG[T>G]GAGTGCCAGAGCCCAGGGTCGTGAGGGTGGGGCTGGGGGATCATAAGGGAAGTATGGCCA-3'